The following is an entry in ClinVar:

ClinVar aggregate classification (germline): Uncertain significance (1 of 4 stars; one submission).

Allele frequency attached by ClinVar (database versions not stated): 1000 Genomes Project 0.00020; gnomAD exomes 0.00001; 1000 Genomes Project 30x 0.00031; TOPMed 0.00001.
gnomAD v4.1: 10 of 1,554,418 alleles (0.00064%); highest among the groups gnomAD compares: East Asian, 0.023%; no homozygotes.

Submission:

GeneDx
Classification: Uncertain significance. Last evaluated: 2022-01-28. Review status: criteria provided, single submitter. Criteria: GeneDx Variant Classification Process June 2021. Collection method: clinical testing. Allele origin: germline. Affected: yes.
Comment: In silico analysis supports that this missense variant has a deleterious effect on protein structure/function; Has not been previously published as pathogenic or benign to our knowledge

NM_001378609.3(OTOGL):c.4438C>T (p.Pro1480Ser)

Gene: OTOGL (otogelin like; plus strand). Cytogenetic location: 12q21.31.
Variant type: single nucleotide variant.
Coding change: c.4438C>T on transcript NM_001378609.3 (MANE Select); coding-DNA position 4438, C replaced by T.
Protein change: p.Pro1480Ser; replaces proline 1480 with serine.
Molecular consequence: missense variant.
Genome position (GRCh38, 1-based): chr12:80,335,978, C>T. VCF-style: chr12-80335978-C-T. GRCh37 (hg19) VCF-style: chr12-80729758-C-T.
Other names: c.4303C>T, p.Pro1435Ser (NM_001368062.3); c.4438C>T, p.Pro1480Ser (NM_001378610.3, NM_173591.7); short protein forms P1435S, P1480S.
Identifiers: ClinVar variation 1699594 (VCV001699594.2), dbSNP rs527599306, ClinGen allele CA240220264.